The following is an entry in ClinVar:

NM_001723.7(DST):c.6618T>G (p.Ile2206Met)

Gene: DST (dystonin; minus strand). Cytogenetic location: 6p12.1.
Variant type: single nucleotide variant.
Coding change: c.6618T>G on transcript NM_001723.7 (MANE Plus Clinical); coding-DNA position 6618, T replaced by G.
Protein change: p.Ile2206Met; replaces isoleucine 2206 with methionine.
Molecular consequence: missense variant. On other transcripts: intron variant (10).
Genome position (GRCh38, 1-based): chr6:56,616,849, A>C on the plus strand (T>G on the coding strand, the complement: DST is on the minus strand). VCF-style: chr6-56616849-A-C. GRCh37 (hg19) VCF-style: chr6-56481647-A-C.
Other names: c.4831-2365T>G (NM_001144769.5); c.4930-2365T>G (NM_001374722.1, NM_001374736.1); c.4957-2365T>G (NM_001374734.1); c.4417-2365T>G (NM_001144770.2); c.4297-2365T>G (NM_001374730.1, NM_001386100.1, NM_183380.4 and 1 more transcripts); c.3319-2365T>G (NM_015548.5); short protein forms I2206M.
Identifiers: ClinVar variation 649759 (VCV000649759.9), dbSNP rs747903303, ClinGen allele CA3870125.

ClinVar aggregate classification (germline): Uncertain significance (1 of 4 stars; one submission).

Conditions:
Hereditary sensory and autonomic neuropathy type 6. Also called: Neuropathy, hereditary sensory and autonomic, type VI; HSAN VI. Identifiers: Orphanet 314381, MedGen C3539003, MONDO:0013839, OMIM 614653.
Epidermolysis bullosa simplex 3, localized or generalized intermediate, with BP230 deficiency (EBS3). Also called: Epidermolysis bullosa simplex, autosomal recessive 2; Epidermolysis bullosa simplex due to BP230 deficiency. Identifiers: Orphanet 412181, MedGen C3809470, MONDO:0014180, OMIM 615425.

Allele frequency attached by ClinVar (database versions not stated): TOPMed below 0.00001; ExAC 0.00001; gnomAD 0.00001; gnomAD exomes 0.00001.
gnomAD v4.1: 5 of 1,614,024 alleles (0.00031%); highest among the groups gnomAD compares: Non-Finnish European, 0.00042%; no homozygotes.

Submission:

Labcorp Genetics (formerly Invitae), Labcorp
Classification: Uncertain significance for Epidermolysis bullosa simplex 3, localized or generalized intermediate, with BP230 deficiency; Hereditary sensory and autonomic neuropathy type 6. Last evaluated: 2022-07-05. Review status: criteria provided, single submitter. Criteria: Invitae Variant Classification Sherloc (09022015). Collection method: clinical testing. Allele origin: germline.
Comment: In summary, the available evidence is currently insufficient to determine the role of this variant in disease. Therefore, it has been classified as a Variant of Uncertain Significance. Algorithms developed to predict the effect of missense changes on protein structure and function are either unavailable or do not agree on the potential impact of this missense change (SIFT: "Deleterious"; PolyPhen-2: "Benign"; Align-GVGD: "Class C0"). ClinVar contains an entry for this variant (Variation ID: 649759). This variant has not been reported in the literature in individuals affected with DST-related conditions. This variant is present in population databases (rs747903303, gnomAD 0.002%). This sequence change replaces isoleucine, which is neutral and non-polar, with methionine, which is neutral and non-polar, at codon 2206 of the DST protein (p.Ile2206Met).